The following is an entry in ClinVar:

ClinVar aggregate classification (germline): Uncertain significance (1 of 4 stars; one submission).

Conditions:
RYR1-related disorder. Also called: RYR1-related condition; RYR1-related disorders. Identifiers: MedGen CN239331.

Submission:

Labcorp Genetics (formerly Invitae), Labcorp
Classification: Uncertain significance for RYR1-related disorder. Last evaluated: 2025-10-14. Review status: criteria provided, single submitter. Criteria: Invitae Variant Classification Sherloc (09022015). Collection method: clinical testing. Allele origin: germline.
Comment: This sequence change replaces phenylalanine, which is neutral and non-polar, with valine, which is neutral and non-polar, at codon 4233 of the RYR1 protein (p.Phe4233Val). This variant is not present in population databases (gnomAD no frequency). This variant has not been reported in the literature in individuals affected with RYR1-related conditions. Invitae Evidence Modeling of protein sequence and biophysical properties (such as structural, functional, and spatial information, amino acid conservation, physicochemical variation, residue mobility, and thermodynamic stability) indicates that this missense variant is expected to disrupt RYR1 protein function with a positive predictive value of 80%. In summary, the available evidence is currently insufficient to determine the role of this variant in disease. Therefore, it has been classified as a Variant of Uncertain Significance.

NM_000540.3(RYR1):c.12697T>G (p.Phe4233Val)

Gene: RYR1 (ryanodine receptor 1; plus strand). Cytogenetic location: 19q13.2.
Variant type: single nucleotide variant.
Coding change: c.12697T>G on transcript NM_000540.3 (MANE Select); coding-DNA position 12697, T replaced by G.
Protein change: p.Phe4233Val; replaces phenylalanine 4233 with valine.
Molecular consequence: missense variant.
Genome position (GRCh38, 1-based): chr19:38,565,031, T>G. VCF-style: chr19-38565031-T-G. GRCh37 (hg19) VCF-style: chr19-39055671-T-G.
Other names: c.12682T>G, p.Phe4228Val (NM_001042723.2); short protein forms F4228V, F4233V.
Identifiers: ClinVar variation 4771145 (VCV004771145.1).
Genomic context (GRCh38, chr19:38,565,031, plus strand): 5'-AAGCGCCAGTTCATCTTCGACGTGGTGAACGAGGGCGGCGAGGCTGAGAAGATGGAGCTC[T>G]TCGTGAGTTTCTGCGAGGACACCATCTTCGAGATGCAGATCGCCGCGCAGATCTCGGAGC-3'
Protein context (NP_000531.2, residues 4223-4243): EGGEAEKMEL[Phe4233Val]VSFCEDTIFE